The following is an entry in ClinVar:

NM_005245.4(FAT1):c.2777C>T (p.Thr926Ile)

Gene: FAT1 (FAT atypical cadherin 1; minus strand). Cytogenetic location: 4q35.2.
Variant type: single nucleotide variant.
Coding change: c.2777C>T on transcript NM_005245.4 (MANE Select); coding-DNA position 2777, C replaced by T.
Protein change: p.Thr926Ile; replaces threonine 926 with isoleucine.
Molecular consequence: missense variant.
Genome position (GRCh38, 1-based): chr4:186,707,051, G>A on the plus strand (C>T on the coding strand, the complement: FAT1 is on the minus strand). VCF-style: chr4-186707051-G-A. GRCh37 (hg19) VCF-style: chr4-187628205-G-A.
Other names: c.2777C>T, p.Thr926Ile (NM_001440455.1, NM_001440456.1, NM_001440457.1); short protein forms T926I.
Identifiers: ClinVar variation 4255032 (VCV004255032.2).

ClinVar aggregate classification (germline): Uncertain significance (1 of 4 stars; one submission).

Conditions:
Inborn genetic diseases. Identifiers: MedGen C0950123, MeSH D030342.

gnomAD v4.1: 53 of 1,613,864 alleles (0.0033%); highest among the groups gnomAD compares: Middle Eastern, 0.016%; no homozygotes.

Submission:

Ambry Genetics
Classification: Uncertain significance for Inborn genetic diseases. Last evaluated: 2026-07-01. Review status: criteria provided, single submitter. Criteria: Ambry Variant Classification Scheme 2023. Collection method: clinical testing. Allele origin: germline.
Comment: The p.T926I variant (also known as c.2777C>T), located in coding exon 1 of the FAT1 gene, results from a C to T substitution at nucleotide position 2777. The threonine at codon 926 is replaced by isoleucine, an amino acid with similar properties. This amino acid position is conserved. In addition, this alteration is predicted to be tolerated by in silico analysis. Based on the available evidence, the clinical significance of this variant remains unclear.